The following is an entry in ClinVar:

NM_000222.3(KIT):c.1991-5T>G

Gene: KIT (KIT proto-oncogene, receptor tyrosine kinase; plus strand). Cytogenetic location: 4q12.
Variant type: single nucleotide variant.
Coding change: c.1991-5T>G on transcript NM_000222.3 (MANE Select); 5 bases into the intron before coding-DNA position 1991, T replaced by G.
Molecular consequence: intron variant.
Genome position (GRCh38, 1-based): chr4:54,729,330, T>G. VCF-style: chr4-54729330-T-G. GRCh37 (hg19) VCF-style: chr4-55595496-T-G.
Other names: c.1994-5T>G (NM_001385284.1, NM_001385290.1); c.1982-5T>G (NM_001385288.1, NM_001385292.1); c.1991-5T>G (NM_001385285.1); c.1979-5T>G (NM_001093772.2, NM_001385286.1).
Identifiers: ClinVar variation 568149 (VCV000568149.11), dbSNP rs1560419281, ClinGen allele CA891842570.

ClinVar aggregate classification (germline): Uncertain significance (1 of 4 stars; one submission).

Conditions:
Gastrointestinal stromal tumor. Also called: Gastrointestinal stromal tumor, somatic; Gastrointestinal stroma tumor. Identifiers: Orphanet 44890, MedGen C0238198, MeSH D046152, MONDO:0011719, OMIM 606764, HP:0100723.

Submission:

Labcorp Genetics (formerly Invitae), Labcorp
Classification: Uncertain significance for Gastrointestinal stromal tumor. Last evaluated: 2019-10-26. Review status: criteria provided, single submitter. Criteria: Invitae Variant Classification Sherloc (09022015). Collection method: clinical testing. Allele origin: germline.
Comment: This sequence change falls in intron 13 of the KIT gene. It does not directly change the encoded amino acid sequence of the KIT protein. This variant is not present in population databases (ExAC no frequency). This variant has not been reported in the literature in individuals with KIT-related disease. Algorithms developed to predict the effect of sequence changes on RNA splicing suggest that this variant may disrupt the consensus splice site, but this prediction has not been confirmed by published transcriptional studies. In summary, the available evidence is currently insufficient to determine the role of this variant in disease. Therefore, it has been classified as a Variant of Uncertain Significance.